The following is an entry in ClinVar:

NM_000256.3(MYBPC3):c.65_66insG (p.Ala23fs)

Gene: MYBPC3 (myosin binding protein C3; minus strand). Cytogenetic location: 11p11.2.
Variant type: Insertion.
Coding change: c.65_66insG on transcript NM_000256.3 (MANE Select); coding-DNA positions 65 to 66, G inserted.
Protein change: p.Ala23fs; shifts the reading frame from alanine 23.
Molecular consequence: frameshift variant.
Genome position: GRCh38 VCF-style: chr11-47351465-G-GC. GRCh37 (hg19) VCF-style: chr11-47373016-G-GC.
Other names: c.65_66insG, p.Ala23fs (LRG_386t1); short protein forms A23fs.
Identifiers: ClinVar variation 407318 (VCV000407318.8), dbSNP rs1060501479, ClinGen allele CA16613639.

ClinVar aggregate classification (germline): Pathogenic. Review status: criteria provided, multiple submitters, no conflicts (2 of 4 stars). 2 submissions from 2 submitters: Pathogenic (2). Last evaluated 2021-02-18.

Conditions:
Cardiomyopathy (CMYO). Also called: Cardiomyopathies. Identifiers: Orphanet 167848, MedGen C0878544, MONDO:0004994, HP:0001638. Inheritance: Various modes of inheritance.
Hypertrophic cardiomyopathy. Also called: HYPERTROPHIC MYOCARDIOPATHY. Identifiers: Orphanet 217569, MedGen C0007194, MeSH D002312, MONDO:0005045, HP:0001639.

Submissions (2):

Color Diagnostics, LLC DBA Color Health
Classification: Pathogenic for Cardiomyopathy. Last evaluated: 2021-02-18. Review status: criteria provided, single submitter. Criteria: ACMG Guidelines, 2015. Collection method: clinical testing. Allele origin: germline.
Comment: This variant inserts 1 nucleotide in exon 2 of the MYBPC3 gene, creating a frameshift and premature translation stop signal. This variant is expected to result in an absent or non-functional protein product. To our knowledge, this variant has not been reported in individuals affected with cardiovascular disorders in the literature. This variant has not been identified in the general population by the Genome Aggregation Database (gnomAD). Loss of MYBPC3 function is a known mechanism of disease. Based on the available evidence, this variant is classified as Pathogenic.

Labcorp Genetics (formerly Invitae), Labcorp
Classification: Pathogenic for Hypertrophic cardiomyopathy. Last evaluated: 2016-05-27. Review status: criteria provided, single submitter. Criteria: Invitae Variant Classification Sherloc (09022015). Collection method: clinical testing. Allele origin: germline.
Comment: While this particular variant has not been reported in the literature, truncating variants in MYBPC3 are known to be pathogenic (PMID: 19574547). This sequence change inserts 1 nucleotide in exon 2 of the MYBPC3 mRNA (c.65_66insG), causing a frameshift at codon 23. This creates a premature translational stop signal (p.Ala23Argfs*26) and is expected to result in an absent or disrupted protein product. For these reasons, this variant has been classified as Pathogenic.

Literature cited by the submitters: PubMed 19574547 (cited by Labcorp Genetics (formerly Invitae), Labcorp).